The following is an entry in ClinVar:

NM_005045.4(RELN):c.4037G>A (p.Gly1346Glu)

Gene: RELN (reelin; minus strand). Cytogenetic location: 7q22.1.
Variant type: single nucleotide variant.
Coding change: c.4037G>A on transcript NM_005045.4 (MANE Select); coding-DNA position 4037, G replaced by A.
Protein change: p.Gly1346Glu; replaces glycine 1346 with glutamic acid.
Molecular consequence: missense variant.
Genome position (GRCh38, 1-based): chr7:103,589,704, C>T on the plus strand (G>A on the coding strand, the complement: RELN is on the minus strand). VCF-style: chr7-103589704-C-T. GRCh37 (hg19) VCF-style: chr7-103230151-C-T.
Other names: c.4037G>A, p.Gly1346Glu (NM_173054.3); short protein forms G1346E.
Identifiers: ClinVar variation 5020839 (VCV005020839.1).
Genomic context (GRCh38, chr7:103,589,704, plus strand): 5'-TCAAAGTCCCCTGTGTGATACATGGTGGGCTCACTTAGTTCTCTGGAGTTTCCTTCGCAT[C>T]CTTTGCCTGCAGAAGCCGGGTAACAGCCTTCTTTCACCAGAAACCAGGACATACCAGCAT-3'
Protein context (NP_005036.2, residues 1336-1356): EGCYPASAGK[Gly1346Glu]CEGNSRELSE

ClinVar aggregate classification (germline): Uncertain significance (1 of 4 stars; one submission).

Submission:

Dasa
Classification: Uncertain significance. Last evaluated: 2025-10-07. Review status: criteria provided, single submitter. Criteria: DASA Assertion Criteria. Collection method: clinical testing. Allele origin: germline.
Comment: NM_005045.4(RELN):c.4037G>A (p.Gly1346Glu) is a missense variant that results in the substitution of glycine with glutamic acid. This variant is absent from population databases. Computational prediction algorithms are consistent with a benign effect. The currently available literature and clinical evidence are not sufficient to establish a definitive association between this variant and the reported condition. Therefore, this variant is classified as a variant of uncertain significance.